The following is an entry in ClinVar:

NM_001267550.2(TTN):c.19914T>C (p.Ala6638=)

Genes: TTN (titin; minus strand), LOC126806429 (BRD4-independent group 4 enhancer GRCh37_chr2:179591393-179592592; plus strand). Cytogenetic location: 2q31.2.
Variant type: single nucleotide variant.
Coding change: c.19914T>C on transcript NM_001267550.2 (MANE Select); coding-DNA position 19914, T replaced by C.
Protein change: p.Ala6638=; no amino-acid change (alanine 6638 retained).
Molecular consequence: synonymous variant. On other transcripts: intron variant (3).
Genome position (GRCh38, 1-based): chr2:178,727,664, A>G on the plus strand (T>C on the coding strand, the complement: TTN is on the minus strand). VCF-style: chr2-178727664-A-G. GRCh37 (hg19) VCF-style: chr2-179592391-A-G.
Other names: c.16182T>C, p.Ala5394= (NM_133378.4); c.18963T>C, p.Ala6321= (NM_001256850.1); c.13282+10418T>C (NM_003319.4); c.13858+10418T>C (NM_133437.4); c.13657+10418T>C (NM_133432.3).
Identifiers: ClinVar variation 505335 (VCV000505335.5), dbSNP rs1317197263, ClinGen allele CA430291766.
Genomic context (GRCh38, chr2:178,727,664, plus strand): 5'-AGTACAAGAGTCGCTACCAACATCATTGGTAACATGGCAAGTATACTGTCCAGTCTTAGA[A>G]GCATCCACTGAGTAGAGATTTAAGAAGCTAGTCGACCCTTCCAAGCCAATGAAACATTTA-3'
Protein context (NP_001254479.2, residues 6628-6648): TSFLNLYSVD[Ala6638=]SKTGQYTCHV

ClinVar aggregate classification (germline): Likely benign (1 of 4 stars; one submission).

Allele frequency attached by ClinVar (database versions not stated): gnomAD exomes below 0.00001.

Submission:

Laboratory for Molecular Medicine, Mass General Brigham Personalized Medicine
Classification: Likely benign. Last evaluated: 2016-09-01. Review status: criteria provided, single submitter. Criteria: LMM Criteria. Collection method: clinical testing. Allele origin: germline. Observed: 1 variant allele.
Comment: p.Ala5394Ala in exon 65 of TTN: This variant is not expected to have clinical si gnificance because it does not alter an amino acid residue and is not located wi thin the splice consensus sequence.